The following is an entry in ClinVar:

NM_022367.4(SEMA4A):c.238G>C (p.Ala80Pro)

Gene: SEMA4A (semaphorin 4A; plus strand). Cytogenetic location: 1q22.
Variant type: single nucleotide variant.
Coding change: c.238G>C on transcript NM_022367.4 (MANE Select); coding-DNA position 238, G replaced by C.
Protein change: p.Ala80Pro; replaces alanine 80 with proline.
Molecular consequence: missense variant. On other transcripts: 5 prime UTR variant (4).
Genome position (GRCh38, 1-based): chr1:156,156,512, G>C. VCF-style: chr1-156156512-G-C. GRCh37 (hg19) VCF-style: chr1-156126303-G-C.
Other names: c.238G>C, p.Ala80Pro (NM_001193300.2, NM_001193301.2, NM_001370567.1); c.-60G>C (NM_001193302.2, NM_001370568.1); c.-287G>C (NM_001370569.1, NM_001370571.1); short protein forms A80P.
Identifiers: ClinVar variation 2130052 (VCV002130052.4), dbSNP rs1458651405, ClinGen allele CA342834661.

ClinVar aggregate classification (germline): Uncertain significance (1 of 4 stars; one submission).

Submission:

Labcorp Genetics (formerly Invitae), Labcorp
Classification: Uncertain significance. Last evaluated: 2022-05-03. Review status: criteria provided, single submitter. Criteria: Invitae Variant Classification Sherloc (09022015). Collection method: clinical testing. Allele origin: germline.
Comment: In summary, the available evidence is currently insufficient to determine the role of this variant in disease. Therefore, it has been classified as a Variant of Uncertain Significance. Algorithms developed to predict the effect of missense changes on protein structure and function are either unavailable or do not agree on the potential impact of this missense change (SIFT: "Deleterious"; PolyPhen-2: "Probably Damaging"; Align-GVGD: "Class C0"). This variant has not been reported in the literature in individuals affected with SEMA4A-related conditions. This variant is not present in population databases (gnomAD no frequency). This sequence change replaces alanine, which is neutral and non-polar, with proline, which is neutral and non-polar, at codon 80 of the SEMA4A protein (p.Ala80Pro).